The following is an entry in ClinVar:

ClinVar aggregate classification (germline): Uncertain significance (1 of 4 stars; one submission).

Conditions:
Inborn genetic diseases. Identifiers: MedGen C0950123, MeSH D030342.

Submission:

Ambry Genetics
Classification: Uncertain significance for Inborn genetic diseases. Last evaluated: 2025-10-07. Review status: criteria provided, single submitter. Criteria: Ambry Variant Classification Scheme 2023. Collection method: clinical testing. Allele origin: germline.
Comment: The p.I124N variant (also known as c.371T>A), located in coding exon 4 of the FANCA gene, results from a T to A substitution at nucleotide position 371. The isoleucine at codon 124 is replaced by asparagine, an amino acid with dissimilar properties. This amino acid position is conserved. In addition, this alteration is predicted to be tolerated by in silico analysis. Based on the available evidence, the clinical significance of this variant remains unclear.

NM_000135.4(FANCA):c.371T>A (p.Ile124Asn)

Gene: FANCA (FA complementation group A; minus strand). Cytogenetic location: 16q24.3.
Variant type: single nucleotide variant.
Coding change: c.371T>A on transcript NM_000135.4 (MANE Select); coding-DNA position 371, T replaced by A.
Protein change: p.Ile124Asn; replaces isoleucine 124 with asparagine.
Molecular consequence: missense variant.
Genome position (GRCh38, 1-based): chr16:89,810,984, A>T on the plus strand (T>A on the coding strand, the complement: FANCA is on the minus strand). VCF-style: chr16-89810984-A-T. GRCh37 (hg19) VCF-style: chr16-89877392-A-T.
Other names: c.371T>A, p.Ile124Asn (NM_001018112.3, NM_001286167.3, NM_001351830.2); short protein forms I124N.
Identifiers: ClinVar variation 4619189 (VCV004619189.1).